The following is an entry in ClinVar:

NM_001365951.3(KIF1B):c.168C>T (p.Tyr56=)

Gene: KIF1B (kinesin family member 1B; plus strand). Cytogenetic location: 1p36.22.
Variant type: single nucleotide variant.
Coding change: c.168C>T on transcript NM_001365951.3 (MANE Select); coding-DNA position 168, C replaced by T.
Protein change: p.Tyr56=; no amino-acid change (tyrosine 56 retained).
Molecular consequence: synonymous variant.
Genome position (GRCh38, 1-based): chr1:10,256,308, C>T. VCF-style: chr1-10256308-C-T. GRCh37 (hg19) VCF-style: chr1-10316366-C-T.
Other names: c.168C>T, p.Tyr56= (NM_001365952.1, NM_001365953.1, NM_015074.3 and 1 more transcripts).
Identifiers: ClinVar variation 291466 (VCV000291466.16), dbSNP rs530566864, ClinGen allele CA580627.

ClinVar aggregate classification (germline): Benign/Likely benign. Review status: criteria provided, multiple submitters, no conflicts (2 of 4 stars). 4 submissions from 4 submitters: Benign (2); Likely benign (2). Last evaluated 2025-09-07.

Conditions:
Charcot-Marie-Tooth disease type 2. Also called: Charcot-Marie-Tooth type 2. Identifiers: Orphanet 64746, MedGen C0270914, MONDO:0018993.
Neuroblastoma (NB). Identifiers: Orphanet 635, MedGen C0027819, MeSH D009447, MONDO:0005072, HP:0003006.

Allele frequency attached by ClinVar (database versions not stated): gnomAD below 0.00001 and 0.00004; TOPMed 0.00002; gnomAD exomes 0.00008 and 0.00016; ExAC 0.00016; 1000 Genomes Project 30x 0.00031; 1000 Genomes Project 0.00040.
gnomAD v4.1: 125 of 1,610,020 alleles (0.0078%); highest among the groups gnomAD compares: South Asian, 0.13%; 1 homozygote.

Submissions (4):

Labcorp Genetics (formerly Invitae), Labcorp
Classification: Benign for Charcot-Marie-Tooth disease type 2. Last evaluated: 2025-09-07. Review status: criteria provided, single submitter. Criteria: Invitae Variant Classification Sherloc (09022015). Collection method: clinical testing. Allele origin: germline.

Blueprint Genetics
Classification: Likely benign. Last evaluated: 2022-07-17. Review status: criteria provided, single submitter. Criteria: ACMG Guidelines, 2015. Collection method: clinical testing. Allele origin: germline.

Ambry Genetics
Classification: Benign. Last evaluated: 2021-08-05. Review status: criteria provided, single submitter. Criteria: Ambry Variant Classification Scheme 2023. Collection method: clinical testing. Allele origin: germline.

Illumina Laboratory Services, Illumina
Classification: Likely benign for Neuroblastoma. Last evaluated: 2018-01-13. Review status: criteria provided, single submitter. Criteria: ICSL Variant Classification Criteria 13 December 2019. Collection method: clinical testing. Allele origin: germline.
Comment: This variant was observed in the ICSL laboratory as part of a predisposition screen in an ostensibly healthy population. It had not been previously curated by ICSL or reported in the Human Gene Mutation Database (HGMD: prior to June 1st, 2018), and was therefore a candidate for classification through an automated scoring system. Utilizing variant allele frequency, disease prevalence and penetrance estimates, and inheritance mode, an automated score was calculated to assess if this variant is too frequent to cause the disease. Based on the score and internal cut-off values, a variant classified as likely benign is not then subjected to further curation. The score for this variant resulted in a classification of likely benign for this disease.